The following is an entry in ClinVar:

ClinVar aggregate classification (germline): Pathogenic (1 of 4 stars; one submission).

Conditions:
Familial cancer of breast. Also called: BREAST CANCER, FAMILIAL; hereditary breast carcinoma; Hereditary breast cancer. Identifiers: Orphanet 227535, MedGen C0346153, MONDO:0016419, OMIM 114480. Disease mechanism: loss of function.

Submission:

Myriad Genetics, Inc.
Classification: Pathogenic for Familial cancer of breast. Last evaluated: 2023-06-02. Review status: criteria provided, single submitter. Criteria: Myriad Autosomal Dominant, Autosomal Recessive and X-Linked Classification Criteria (2023). Collection method: clinical testing. Allele origin: unknown.
Comment: This variant is considered pathogenic. This variant creates a frameshift predicted to result in premature protein truncation.

NM_032043.3(BRIP1):c.1471del (p.Gln491fs)

Gene: BRIP1 (BRCA1 interacting DNA helicase 1; minus strand). Cytogenetic location: 17q23.2.
Variant type: Deletion.
Coding change: c.1471del on transcript NM_032043.3 (MANE Select); coding-DNA position 1471, one base deleted (C; older notation c.1471delC).
Protein change: p.Gln491fs; shifts the reading frame from glutamine 491.
Molecular consequence: frameshift variant.
Genome position (GRCh38, 1-based): chr17:61,793,599, G deleted on the plus strand (C on the coding strand, the reverse complement: BRIP1 is on the minus strand). VCF-style (leftmost placement, unchanged base first): chr17-61793598-TG-T. GRCh37 (hg19) VCF-style: chr17-59870959-TG-T.
Other names: short protein forms Q491fs.
Identifiers: ClinVar variation 2584215 (VCV002584215.2), dbSNP rs2545105490, ClinGen allele CA2582342214.